The following is an entry in ClinVar:

ClinVar aggregate classification (germline): risk factor (0 of 4 stars; one submission).

Conditions:
Obesity. Also called: Obesity disorder. Identifiers: Orphanet 71529, MedGen C0028754, MeSH D009765, MONDO:0011122, HP:0001513.

Submission:

Department of Endocrinology, The Second Hospital of Jilin University
Classification: risk factor for Obesity. Last evaluated: 2019-12-26. Review status: no assertion criteria provided. Collection method: clinical testing. Allele origin: unknown.
Comment: We found that loci may be associated with obesity-related indicators, and may increase susceptibility of concurrent type 2 diabetes associated with obesity.

NC_000012.12:g.49853685G>A

Variant type: single nucleotide variant.
Genome position: GRCh38 VCF-style: chr12-49853685-G-A. GRCh37 (hg19) VCF-style: chr12-50247468-G-A.
Identifiers: ClinVar variation 812170 (VCV000812170.3), dbSNP rs7138803, ClinGen allele CA13724322.